The following is an entry in ClinVar:

ClinVar aggregate classification (germline): Uncertain significance (1 of 4 stars; one submission).

Submission:

GeneDx
Classification: Uncertain significance. Last evaluated: 2024-04-09. Review status: criteria provided, single submitter. Criteria: GeneDx Variant Classification Process June 2021. Collection method: clinical testing. Allele origin: germline. Affected: yes.
Comment: Not observed at significant frequency in large population cohorts (gnomAD); In-frame deletion of 1 amino acid in a non-repeat region; In silico analysis supports a deleterious effect on protein structure/function; Has not been previously published as pathogenic or benign to our knowledge

NM_015459.5(ATL3):c.1002AGA[1] (p.Glu335del)

Genes: ATL3 (atlastin GTPase 3; minus strand), LNCROPM (lncRNA regulator of PLAAT3 mediated phospholipid metabolism; plus strand). Cytogenetic location: 11q13.1.
Variant type: Microsatellite.
Coding change: c.1002AGA[1] on transcript NM_015459.5 (MANE Select); one copy of the 3-base unit AGA starting at c.1002; the reference has two copies in a row; one copy, 3 bases deleted.
Protein change: p.Glu335del; deletes glutamic acid 335.
Genome position (GRCh38, 1-based): chr11:63,635,562-63,635,564, TCT deleted on the plus strand (AGA on the coding strand, the reverse complement: ATL3 is on the minus strand); deleting any 3 consecutive bases within chr11:63,635,562-63,635,567 gives the same sequence; the position shown is the placement nearest the transcript's 3' end. VCF-style (leftmost placement, unchanged base first): chr11-63635561-ATCT-A. GRCh37 (hg19) VCF-style: chr11-63403033-ATCT-A.
Other names: c.948AGA[1], p.Glu317del (NM_001290048.2); short protein forms E317del, E335del.
Identifiers: ClinVar variation 3372296 (VCV003372296.1).